The following is an entry in ClinVar:

NM_000503.6(EYA1):c.634C>T (p.Gln212Ter)

Gene: EYA1 (EYA transcriptional coactivator and phosphatase 1; minus strand). Cytogenetic location: 8q13.3.
Variant type: single nucleotide variant.
Coding change: c.634C>T on transcript NM_000503.6 (MANE Select); coding-DNA position 634, C replaced by T.
Protein change: p.Gln212Ter; replaces glutamine 212 with a stop codon.
Molecular consequence: nonsense.
Genome position (GRCh38, 1-based): chr8:71,299,643, G>A on the plus strand (C>T on the coding strand, the complement: EYA1 is on the minus strand). VCF-style: chr8-71299643-G-A. GRCh37 (hg19) VCF-style: chr8-72211878-G-A.
Other names: c.616C>T, p.Gln206Ter (NM_001288574.2); c.268C>T, p.Gln90Ter (NM_001288575.2); c.721C>T, p.Gln241Ter (NM_001370333.1); c.634C>T, p.Gln212Ter (NM_001370334.1, NM_001370335.1, NM_172058.4); c.703C>T, p.Gln235Ter (NM_001370336.1); c.535C>T, p.Gln179Ter (NM_001411797.1, NM_172060.4); c.706C>T, p.Gln236Ter (NM_172059.5); short protein forms Q179*, Q206*, Q212*, Q235*, Q236*, Q241*, Q90*.
Identifiers: ClinVar variation 4689788 (VCV004689788.1).

ClinVar aggregate classification (germline): Pathogenic (1 of 4 stars; one submission).

Submission:

GeneDx
Classification: Pathogenic. Last evaluated: 2025-07-28. Review status: criteria provided, single submitter. Criteria: GeneDx Variant Classification Process June 2021. Collection method: clinical testing. Allele origin: germline. Affected: yes.
Comment: Identified in a patient with branchiootorenal spectrum disorder in published literature, however, only EYA1 was analyzed (PMID: 18220287); Nonsense variant predicted to result in protein truncation or nonsense mediated decay in a gene for which loss of function is a known mechanism of disease; Not observed at significant frequency in large population cohorts (gnomAD); This variant is associated with the following publications: (PMID: 25525159, 23967202, 25780253, 18220287)